The following is an entry in ClinVar:

NM_000475.5(NR0B1):c.806T>G (p.Val269Gly)

Gene: NR0B1 (nuclear receptor subfamily 0 group B member 1; minus strand). Cytogenetic location: Xp21.2.
Variant type: single nucleotide variant.
Coding change: c.806T>G on transcript NM_000475.5 (MANE Select); coding-DNA position 806, T replaced by G.
Protein change: p.Val269Gly; replaces valine 269 with glycine.
Molecular consequence: missense variant.
Genome position (GRCh38, 1-based): chrX:30,308,558, A>C on the plus strand (T>G on the coding strand, the complement: NR0B1 is on the minus strand). VCF-style: chrX-30308558-A-C. GRCh37 (hg19) VCF-style: chrX-30326675-A-C.
Other names: short protein forms V269G.
Identifiers: ClinVar variation 1356661 (VCV001356661.8), dbSNP rs1555973045, ClinGen allele CA412547798.

ClinVar aggregate classification (germline): Uncertain significance (1 of 4 stars; one submission).

Conditions:
46,XY sex reversal 2. Also called: 46,XY SEX REVERSAL, DAX1-RELATED; NR0B1-Related 46,XY CGD; NR0B1-related 46,XY complete gonadal dysgenesis; 46XY sex reversal 2, dosage-sensitive; Dosage-sensitive sex reversal. Identifiers: MedGen C1848296, MONDO:0010226, OMIM 300018.
Congenital adrenal hypoplasia, X-linked (AHC). Also called: ADRENAL HYPOPLASIA, CONGENITAL, WITH HYPOGONADOTROPIC HYPOGONADISM; Isolated X-Linked Adrenal Hypoplasia Congenita; X-linked AHC; X-Linked Adrenal Hypoplasia Congenita. Identifiers: Orphanet 95702, MedGen C0342482, MONDO:0010264, OMIM 300200. Disease mechanism: loss of function.

Submission:

Labcorp Genetics (formerly Invitae), Labcorp
Classification: Uncertain significance for Congenital adrenal hypoplasia, X-linked; 46,XY sex reversal 2. Last evaluated: 2021-02-28. Review status: criteria provided, single submitter. Criteria: Invitae Variant Classification Sherloc (09022015). Collection method: clinical testing. Allele origin: germline.
Comment: This sequence change replaces valine with glycine at codon 269 of the NR0B1 protein (p.Val269Gly). The valine residue is highly conserved and there is a moderate physicochemical difference between valine and glycine. This variant is not present in population databases (ExAC no frequency). This variant has not been reported in the literature in individuals with NR0B1-related conditions. Advanced modeling of protein sequence and biophysical properties (such as structural, functional, and spatial information, amino acid conservation, physicochemical variation, residue mobility, and thermodynamic stability) performed at Invitae indicates that this missense variant is expected to disrupt NR0B1 protein function. In summary, the available evidence is currently insufficient to determine the role of this variant in disease. Therefore, it has been classified as a Variant of Uncertain Significance.